The following is an entry in ClinVar:

ClinVar aggregate classification (germline): Uncertain significance (1 of 4 stars; one submission).

Submission:

Labcorp Genetics (formerly Invitae), Labcorp
Classification: Uncertain significance. Last evaluated: 2022-04-23. Review status: criteria provided, single submitter. Criteria: Invitae Variant Classification Sherloc (09022015). Collection method: clinical testing. Allele origin: germline.
Comment: In summary, the available evidence is currently insufficient to determine the role of this variant in disease. Therefore, it has been classified as a Variant of Uncertain Significance. Experimental studies and prediction algorithms are not available or were not evaluated, and the functional significance of this variant is currently unknown. This variant has not been reported in the literature in individuals affected with POLD2-related conditions. This variant is not present in population databases (gnomAD no frequency). This variant, c.205_210del, results in the deletion of 2 amino acid(s) of the POLD2 protein (p.Asn69_Ser70del), but otherwise preserves the integrity of the reading frame.

NM_006230.4(POLD2):c.100_105del (p.Asn34_Ser35del)

Gene: POLD2 (DNA polymerase delta 2, accessory subunit; minus strand). Cytogenetic location: 7p13.
Variant type: Deletion.
Coding change: c.100_105del on transcript NM_006230.4 (MANE Select); coding-DNA positions 100 to 105, 6 bases deleted (AACTCC; older notation c.100_105delAACTCC).
Protein change: p.Asn34_Ser35del.
Molecular consequence: inframe deletion.
Genome position (GRCh38, 1-based): chr7:44,121,949-44,121,954, GGAGTT deleted on the plus strand (AACTCC on the coding strand, the reverse complement: POLD2 is on the minus strand); deleting any 6 consecutive bases within chr7:44,121,949-44,121,956 gives the same sequence; the c. name uses the placement nearest the transcript's 3' end. VCF-style (leftmost placement, unchanged base first): chr7-44121948-AGGAGTT-A. GRCh37 (hg19) VCF-style: chr7-44161547-AGGAGTT-A.
Other names: c.100_105del, p.Asn34_Ser35del (NM_001127218.3, NM_001256879.2).
Identifiers: ClinVar variation 2129840 (VCV002129840.4), dbSNP rs2484415346, ClinGen allele CA2580077153.